The following is an entry in ClinVar:

NC_000005.9:g.(?_37002744)_(37008845_?)del

Gene: NIPBL (NIPBL cohesin loading factor; plus strand). Cytogenetic location: 5p13.2.
Variant type: Deletion.
Identifiers: ClinVar variation 1460237 (VCV001460237.4).

ClinVar aggregate classification (germline): Pathogenic (1 of 4 stars; one submission).

Conditions:
Cornelia de Lange syndrome 1 (CDLS1). Also called: Brachmann de Lange syndrome; NIPBL-Related Cornelia de Lange Syndrome; TYPUS DEGENERATIVUS AMSTELODAMENSIS. Identifiers: Orphanet 199, MedGen C4551851, MONDO:0007387, OMIM 122470.

Submission:

Labcorp Genetics (formerly Invitae), Labcorp
Classification: Pathogenic for Cornelia de Lange syndrome 1. Last evaluated: 2021-07-16. Review status: criteria provided, single submitter. Criteria: Invitae Variant Classification Sherloc (09022015). Collection method: clinical testing. Allele origin: germline.
Comment: For these reasons, this variant has been classified as Pathogenic. This variant has not been reported in the literature in individuals affected with NIPBL-related conditions. This variant is a gross deletion of the genomic region encompassing exon(s) 15-20 of the NIPBL gene. This deletion is out-of-frame, and is expected to create a premature translational stop signal and result in an absent or disrupted protein product. Loss-of-function variants in NIPBL are known to be pathogenic (PMID: 15318302, 19763162, 23505322, 29995837).

Literature cited by the submitters: PubMed 15318302; PubMed 19763162; PubMed 23505322; PubMed 29995837.